The following is an entry in ClinVar:

ClinVar aggregate classification (germline): Uncertain significance. Review status: criteria provided, multiple submitters, no conflicts (2 of 4 stars). 2 submissions from 2 submitters: Uncertain significance (2). Last evaluated 2024-08-19.

Conditions:
Inborn genetic diseases. Identifiers: MedGen C0950123, MeSH D030342.

Allele frequency attached by ClinVar (database versions not stated): gnomAD exomes below 0.00001 and 0.00002; TOPMed below 0.00001; gnomAD 0.00001.
gnomAD v4.1: 7 of 1,614,004 alleles (0.00043%); highest among the groups gnomAD compares: East Asian, 0.013%; no homozygotes.

Submissions (2):

Ambry Genetics
Classification: Uncertain significance for Inborn genetic diseases. Last evaluated: 2024-08-19. Review status: criteria provided, single submitter. Criteria: Ambry Variant Classification Scheme 2023. Collection method: clinical testing. Allele origin: germline.

Labcorp Genetics (formerly Invitae), Labcorp
Classification: Uncertain significance. Last evaluated: 2022-06-13. Review status: criteria provided, single submitter. Criteria: Invitae Variant Classification Sherloc (09022015). Collection method: clinical testing. Allele origin: germline.
Comment: This sequence change replaces threonine, which is neutral and polar, with alanine, which is neutral and non-polar, at codon 194 of the P3H2 protein (p.Thr194Ala). This variant is present in population databases (no rsID available, gnomAD 0.03%). This variant has not been reported in the literature in individuals affected with P3H2-related conditions. Algorithms developed to predict the effect of missense changes on protein structure and function (SIFT, PolyPhen-2, Align-GVGD) all suggest that this variant is likely to be tolerated. In summary, the available evidence is currently insufficient to determine the role of this variant in disease. Therefore, it has been classified as a Variant of Uncertain Significance.

NM_018192.4(P3H2):c.580A>G (p.Thr194Ala)

Gene: P3H2 (prolyl 3-hydroxylase 2; minus strand). Cytogenetic location: 3q28.
Variant type: single nucleotide variant.
Coding change: c.580A>G on transcript NM_018192.4 (MANE Select); coding-DNA position 580, A replaced by G.
Protein change: p.Thr194Ala; replaces threonine 194 with alanine.
Molecular consequence: missense variant.
Genome position (GRCh38, 1-based): chr3:189,995,343, T>C on the plus strand (A>G on the coding strand, the complement: P3H2 is on the minus strand). VCF-style: chr3-189995343-T-C. GRCh37 (hg19) VCF-style: chr3-189713132-T-C.
Other names: c.37A>G, p.Thr13Ala (NM_001134418.2); c.580A>G (NM_018192.3); short protein forms T194A, T13A.
Identifiers: ClinVar variation 1508918 (VCV001508918.4), dbSNP rs1295625317, ClinGen allele CA355759797.